The following is an entry in ClinVar:

ClinVar aggregate classification (germline): Uncertain significance (1 of 4 stars; one submission).

gnomAD v4.1: 1 of 1,608,978 alleles (0.000062%); highest among the groups gnomAD compares: Non-Finnish European, 0.000085%; no homozygotes.

Submission:

GeneDx
Classification: Uncertain significance. Last evaluated: 2024-02-06. Review status: criteria provided, single submitter. Criteria: GeneDx Variant Classification Process June 2021. Collection method: clinical testing. Allele origin: germline. Affected: yes.
Comment: Not observed at significant frequency in large population cohorts (gnomAD); In silico analysis supports that this missense variant does not alter protein structure/function; Has not been previously published as pathogenic or benign to our knowledge

NM_001080517.3(SETD5):c.1405G>C (p.Val469Leu)

Gene: SETD5 (SET domain containing 5; plus strand). Cytogenetic location: 3p25.3.
Variant type: single nucleotide variant.
Coding change: c.1405G>C on transcript NM_001080517.3 (MANE Select); coding-DNA position 1405, G replaced by C.
Protein change: p.Val469Leu; replaces valine 469 with leucine.
Molecular consequence: missense variant.
Genome position (GRCh38, 1-based): chr3:9,445,265, G>C. VCF-style: chr3-9445265-G-C. GRCh37 (hg19) VCF-style: chr3-9486949-G-C.
Other names: c.1111G>C, p.Val371Leu (NM_001292043.2, NM_001349451.2); short protein forms V371L, V469L.
Identifiers: ClinVar variation 3368972 (VCV003368972.1).
Genomic context (GRCh38, chr3:9,445,265, plus strand): 5'-CTAGAGATGGAGCAGCAGAATGAGGCTTCAGAGGAGAATAATGACCAGCAATCACAAGAA[G>C]TTCCAGAAAAAGTAACTGTATCCAGTGATCATGAGGTAATCGCCCCTGGTCAAATGATGA-3'
Protein context (NP_001073986.1, residues 459-479): EENNDQQSQE[Val469Leu]PEKVTVSSDH